The following is an entry in ClinVar:

ClinVar aggregate classification (germline): Uncertain significance (1 of 4 stars; one submission).

Conditions:
Fanconi anemia (FA). Also called: Fanconi's anemia. Identifiers: Orphanet 84, MedGen C0015625, MeSH D005199, MONDO:0019391.

Allele frequency attached by ClinVar (database versions not stated): gnomAD exomes below 0.00001; gnomAD 0.00001; TOPMed 0.00001.
gnomAD v4.1: 3 of 1,614,038 alleles (0.00019%); highest among the groups gnomAD compares: Admixed American, 0.0017%; no homozygotes.

Submission:

Labcorp Genetics (formerly Invitae), Labcorp
Classification: Uncertain significance for Fanconi anemia. Last evaluated: 2020-12-04. Review status: criteria provided, single submitter. Criteria: Invitae Variant Classification Sherloc (09022015). Collection method: clinical testing. Allele origin: germline.
Comment: Algorithms developed to predict the effect of missense changes on protein structure and function output the following: (SIFT: "Tolerated"; PolyPhen-2: "Benign"; Align-GVGD: "Class C0"). The glutamic acid amino acid residue is also found in multiple mammalian species, suggesting that this missense change does not adversely affect protein function. These predictions have not been confirmed by published functional studies. In summary, this variant is a novel missense change that is not predicted to affect protein function. There is no indication that it causes disease, but the available evidence is currently insufficient to prove that conclusively. Therefore, it has been classified as a Variant of Uncertain Significance. This variant is not present in population databases (ExAC no frequency) and has not been reported in the literature in individuals with a SLX4-related disease. This sequence change replaces glycine with glutamic acid at codon 252 of the SLX4 protein (p.Gly252Glu). The glycine residue is weakly conserved and there is a moderate physicochemical difference between glycine and glutamic acid.

NM_032444.4(SLX4):c.755G>A (p.Gly252Glu)

Gene: SLX4 (SLX4 structure-specific endonuclease subunit; minus strand). Cytogenetic location: 16p13.3.
Variant type: single nucleotide variant.
Coding change: c.755G>A on transcript NM_032444.4 (MANE Select); coding-DNA position 755, G replaced by A.
Protein change: p.Gly252Glu; replaces glycine 252 with glutamic acid.
Molecular consequence: missense variant.
Genome position (GRCh38, 1-based): chr16:3,606,479, C>T on the plus strand (G>A on the coding strand, the complement: SLX4 is on the minus strand). VCF-style: chr16-3606479-C-T. GRCh37 (hg19) VCF-style: chr16-3656480-C-T.
Other names: c.755G>A (LRG_503t1); short protein forms G252E.
Identifiers: ClinVar variation 407913 (VCV000407913.8), dbSNP rs1060501795, ClinGen allele CA16614936.